The following is an entry in ClinVar:

NM_006218.4(PIK3CA):c.2695C>T (p.Arg899Cys)

Gene: PIK3CA (phosphatidylinositol-4,5-bisphosphate 3-kinase catalytic subunit alpha; plus strand). Cytogenetic location: 3q26.32.
Variant type: single nucleotide variant.
Coding change: c.2695C>T on transcript NM_006218.4 (MANE Select); coding-DNA position 2695, C replaced by T.
Protein change: p.Arg899Cys; replaces arginine 899 with cysteine.
Molecular consequence: missense variant.
Genome position (GRCh38, 1-based): chr3:179,230,032, C>T. VCF-style: chr3-179230032-C-T. GRCh37 (hg19) VCF-style: chr3-178947820-C-T.
Other names: short protein forms R899C.
Identifiers: ClinVar variation 2201677 (VCV002201677.4), dbSNP rs1216178660, ClinGen allele CA355279386.

ClinVar aggregate classification (germline): Uncertain significance (1 of 4 stars; one submission).

Conditions:
Cowden syndrome (CS). Also called: Cowden's disease; Cowden's syndrome; Cowden disease. Identifiers: Orphanet 201, MedGen C0018553, MONDO:0016063. Disease mechanism: gain of function.

Allele frequency attached by ClinVar (database versions not stated): gnomAD exomes below 0.00001; TOPMed below 0.00001.

Submission:

Labcorp Genetics (formerly Invitae), Labcorp
Classification: Uncertain significance for Cowden syndrome. Last evaluated: 2022-08-04. Review status: criteria provided, single submitter. Criteria: Invitae Variant Classification Sherloc (09022015). Collection method: clinical testing. Allele origin: germline.
Comment: This sequence change replaces arginine, which is basic and polar, with cysteine, which is neutral and slightly polar, at codon 899 of the PIK3CA protein (p.Arg899Cys). This variant is present in population databases (no rsID available, gnomAD 0.006%). This variant has not been reported in the literature in individuals affected with PIK3CA-related conditions. Advanced modeling of protein sequence and biophysical properties (such as structural, functional, and spatial information, amino acid conservation, physicochemical variation, residue mobility, and thermodynamic stability) performed at Invitae indicates that this missense variant is expected to disrupt PIK3CA protein function. In summary, the available evidence is currently insufficient to determine the role of this variant in disease. Therefore, it has been classified as a Variant of Uncertain Significance.